The following is an entry in ClinVar:

NM_002471.4(MYH6):c.1196G>A (p.Gly399Glu)

Gene: MYH6 (myosin heavy chain 6; minus strand). Cytogenetic location: 14q11.2.
Variant type: single nucleotide variant.
Coding change: c.1196G>A on transcript NM_002471.4 (MANE Select); coding-DNA position 1196, G replaced by A.
Protein change: p.Gly399Glu; replaces glycine 399 with glutamic acid.
Molecular consequence: missense variant.
Genome position (GRCh38, 1-based): chr14:23,400,923, C>T on the plus strand (G>A on the coding strand, the complement: MYH6 is on the minus strand). VCF-style: chr14-23400923-C-T. GRCh37 (hg19) VCF-style: chr14-23870132-C-T.
Other names: short protein forms G399E.
Identifiers: ClinVar variation 2414328 (VCV002414328.9), dbSNP rs1891580823, ClinGen allele CA389024372.

ClinVar aggregate classification (germline): Uncertain significance. Review status: criteria provided, multiple submitters, no conflicts (2 of 4 stars). 3 submissions from 3 submitters: Uncertain significance (3). Last evaluated 2023-10-25.

Conditions:
Hypertrophic cardiomyopathy 14. Identifiers: MedGen C2750467, MONDO:0013197, OMIM 613251.
Cardiovascular phenotype. Identifiers: MedGen CN230736.
Cardiomyopathy (CMYO). Also called: Cardiomyopathies. Identifiers: Orphanet 167848, MedGen C0878544, MONDO:0004994, HP:0001638. Inheritance: Various modes of inheritance.

Submissions (3):

Ambry Genetics
Classification: Uncertain significance for Cardiovascular phenotype. Last evaluated: 2023-10-25. Review status: criteria provided, single submitter. Criteria: Ambry Variant Classification Scheme 2023. Collection method: clinical testing. Allele origin: germline.
Comment: The p.G399E variant (also known as c.1196G>A), located in coding exon 11 of the MYH6 gene, results from a G to A substitution at nucleotide position 1196. The glycine at codon 399 is replaced by glutamic acid, an amino acid with similar properties. This amino acid position is well conserved in available vertebrate species. In addition, this alteration is predicted to be deleterious by in silico analysis. Since supporting evidence is limited at this time, the clinical significance of this alteration remains unclear.

Labcorp Genetics (formerly Invitae), Labcorp
Classification: Uncertain significance for Hypertrophic cardiomyopathy 14. Last evaluated: 2021-12-22. Review status: criteria provided, single submitter. Criteria: Invitae Variant Classification Sherloc (09022015). Collection method: clinical testing. Allele origin: germline.
Comment: In summary, the available evidence is currently insufficient to determine the role of this variant in disease. Therefore, it has been classified as a Variant of Uncertain Significance. Algorithms developed to predict the effect of missense changes on protein structure and function are either unavailable or do not agree on the potential impact of this missense change (SIFT: "Tolerated"; PolyPhen-2: "Probably Damaging"; Align-GVGD: "Class C0"). This variant has not been reported in the literature in individuals affected with MYH6-related conditions. This variant is not present in population databases (gnomAD no frequency). This sequence change replaces glycine, which is neutral and non-polar, with glutamic acid, which is acidic and polar, at codon 399 of the MYH6 protein (p.Gly399Glu).

CHEO Genetics Diagnostic Laboratory, Children's Hospital of Eastern Ontario
Classification: Uncertain significance for Cardiomyopathy. Last evaluated: 2021-06-16. Review status: criteria provided, single submitter. Criteria: ACMG Guidelines, 2015. Collection method: clinical testing. Allele origin: germline.